The following is an entry in ClinVar:

ClinVar aggregate classification (germline): Uncertain significance. Review status: criteria provided, multiple submitters, no conflicts (2 of 4 stars). 2 submissions from 2 submitters: Uncertain significance (2). Last evaluated 2022-11-18.

Conditions:
Inborn genetic diseases. Identifiers: MedGen C0950123, MeSH D030342.
Orthostatic hypotension 1 (ORTHYP1). Also called: NORADRENALINE DEFICIENCY; NOREPINEPHRINE DEFICIENCY; Orthostatic hypotension 1, due to DBH deficiency; Dopamine beta-hydroxylase deficiency. Identifiers: Orphanet 230, MedGen C4746777, MONDO:0009123, OMIM 223360.

Allele frequency attached by ClinVar (database versions not stated): gnomAD exomes below 0.00001 and 0.00001; gnomAD 0.00001; TOPMed 0.00001.
gnomAD v4.1: 14 of 1,613,230 alleles (0.00087%); highest among the groups gnomAD compares: East Asian, 0.0022%; no homozygotes.

Submissions (2):

Ambry Genetics
Classification: Uncertain significance for Inborn genetic diseases. Last evaluated: 2022-11-18. Review status: criteria provided, single submitter. Criteria: Ambry Variant Classification Scheme 2023. Collection method: clinical testing. Allele origin: germline.

Labcorp Genetics (formerly Invitae), Labcorp
Classification: Uncertain significance for Orthostatic hypotension 1. Last evaluated: 2021-11-10. Review status: criteria provided, single submitter. Criteria: Invitae Variant Classification Sherloc (09022015). Collection method: clinical testing. Allele origin: germline.
Comment: This sequence change replaces arginine, which is basic and polar, with glutamine, which is neutral and polar, at codon 473 of the DBH protein (p.Arg473Gln). This variant is present in population databases (rs756135833, gnomAD no frequency). This variant has not been reported in the literature in individuals affected with DBH-related conditions. Algorithms developed to predict the effect of missense changes on protein structure and function are either unavailable or do not agree on the potential impact of this missense change (SIFT: "Tolerated"; PolyPhen-2: "Probably Damaging"; Align-GVGD: "Class C0"). In summary, the available evidence is currently insufficient to determine the role of this variant in disease. Therefore, it has been classified as a Variant of Uncertain Significance.

NM_000787.4(DBH):c.1418G>A (p.Arg473Gln)

Gene: DBH (dopamine beta-hydroxylase; plus strand). Cytogenetic location: 9q34.2.
Variant type: single nucleotide variant.
Coding change: c.1418G>A on transcript NM_000787.4 (MANE Select); coding-DNA position 1418, G replaced by A.
Protein change: p.Arg473Gln; replaces arginine 473 with glutamine.
Molecular consequence: missense variant.
Genome position (GRCh38, 1-based): chr9:133,652,983, G>A. VCF-style: chr9-133652983-G-A. GRCh37 (hg19) VCF-style: chr9-136518105-G-A.
Other names: c.1418G>A (NM_000787.3); short protein forms R473Q.
Identifiers: ClinVar variation 1359783 (VCV001359783.4), dbSNP rs756135833, ClinGen allele CA200974150.